The following is an entry in ClinVar:

NM_004153.4(ORC1):c.223+8T>G

Gene: ORC1 (origin recognition complex subunit 1; minus strand). Cytogenetic location: 1p32.3.
Variant type: single nucleotide variant.
Coding change: c.223+8T>G on transcript NM_004153.4 (MANE Select); 8 bases into the intron after coding-DNA position 223, T replaced by G.
Molecular consequence: intron variant.
Genome position (GRCh38, 1-based): chr1:52,401,354, A>C on the plus strand (T>G on the coding strand, the complement: ORC1 is on the minus strand). VCF-style: chr1-52401354-A-C. GRCh37 (hg19) VCF-style: chr1-52867026-A-C.
Other names: c.223+8T>G (NM_001190818.2, NM_001190819.2, NM_004153.3).
Identifiers: ClinVar variation 1634615 (VCV001634615.10), dbSNP rs752809695, ClinGen allele CA853660.

ClinVar aggregate classification (germline): Likely benign. Review status: criteria provided, single submitter (1 of 4 stars). 2 submissions from 2 submitters: Likely benign (1). 1 of the submissions does not count toward it. Last evaluated 2024-02-24.

Conditions:
ORC1-related disorder. Also called: ORC1-related condition.

Allele frequency attached by ClinVar (database versions not stated): gnomAD 0.00001; ExAC 0.00002; gnomAD exomes 0.00002 and 0.00003; TOPMed 0.00003.
gnomAD v4.1: 14 of 1,613,960 alleles (0.00087%); highest among the groups gnomAD compares: Admixed American, 0.015%; no homozygotes.

Submissions (2):

Labcorp Genetics (formerly Invitae), Labcorp
Classification: Likely benign. Last evaluated: 2024-02-24. Review status: criteria provided, single submitter. Criteria: Invitae Variant Classification Sherloc (09022015). Collection method: clinical testing. Allele origin: germline.

PreventionGenetics, part of Exact Sciences
Classification: Likely benign for ORC1-related condition. Last evaluated: 2021-04-07. Review status: no assertion criteria provided. Collection method: clinical testing. Allele origin: germline. Not counted in ClinVar's aggregate classification.
Comment: This variant is classified as likely benign based on ACMG/AMP sequence variant interpretation guidelines (Richards et al. 2015 PMID: 25741868, with internal and published modifications).